The following is an entry in ClinVar:

NM_021098.3(CACNA1H):c.1809_1810delinsGG (p.Leu604Val)

Gene: CACNA1H (calcium voltage-gated channel subunit alpha1 H; plus strand). Cytogenetic location: 16p13.3.
Variant type: Indel.
Coding change: c.1809_1810delinsGG on transcript NM_021098.3 (MANE Select); coding-DNA positions 1809 to 1810, AC replaced by GG.
Protein change: p.Leu604Val; replaces leucine 604 with valine.
Molecular consequence: missense variant.
Genome position (GRCh38, 1-based): chr16:1,202,259-1,202,260, AC replaced by GG. VCF-style: chr16-1202259-AC-GG. GRCh37 (hg19) VCF-style: chr16-1252259-AC-GG.
Other names: c.1809_1810delinsGG, p.Leu604Val (NM_001005407.2); short protein forms L604V.
Identifiers: ClinVar variation 2924103 (VCV002924103.3), dbSNP rs2548646206, ClinGen allele CA2740096803.

ClinVar aggregate classification (germline): Uncertain significance (1 of 4 stars; one submission).

Conditions:
Idiopathic generalized epilepsy. Also called: Generalised epilepsy; EIG. Identifiers: MedGen C0270850, MONDO:0005579, OMIM 600669.
Hyperaldosteronism, familial, type IV (HALD4). Also called: FH IV; ALDOSTERONISM, PRIMARY, AND HYPERTENSION. Identifiers: Orphanet 642671, MedGen C4310756, MONDO:0014875, OMIM 617027.

Submission:

Labcorp Genetics (formerly Invitae), Labcorp
Classification: Uncertain significance for Idiopathic generalized epilepsy; Hyperaldosteronism, familial, type IV. Last evaluated: 2024-11-05. Review status: criteria provided, single submitter. Criteria: Invitae Variant Classification Sherloc (09022015). Collection method: clinical testing. Allele origin: germline.
Comment: This sequence change replaces leucine, which is neutral and non-polar, with valine, which is neutral and non-polar, at codon 604 of the CACNA1H protein (p.Leu604Val). Information on the frequency of this variant in the gnomAD database is not available, as this variant may be reported differently in the database. This variant has not been reported in the literature in individuals affected with CACNA1H-related conditions. ClinVar contains an entry for this variant (Variation ID: 2924103). Experimental studies and prediction algorithms are not available or were not evaluated, and the functional significance of this variant is currently unknown. In summary, the available evidence is currently insufficient to determine the role of this variant in disease. Therefore, it has been classified as a Variant of Uncertain Significance.